The following is an entry in ClinVar:

ClinVar aggregate classification (germline): Uncertain significance (1 of 4 stars; one submission).

Submission:

CeGaT Center for Human Genetics Tuebingen
Classification: Uncertain significance. Last evaluated: 2024-04-01. Review status: criteria provided, single submitter. Criteria: CeGaT Center For Human Genetics Tuebingen Variant Classification Criteria Version 2. Collection method: clinical testing. Allele origin: germline. Affected: yes. Observed: 1 variant allele.
Comment: MACF1: PM2, PS2:Supporting

NM_001394062.1(MACF1):c.3239A>G (p.Gln1080Arg)

Gene: MACF1 (microtubule actin crosslinking factor 1; plus strand). Cytogenetic location: 1p34.3.
Variant type: single nucleotide variant.
Coding change: c.3239A>G on transcript NM_001394062.1 (MANE Select); coding-DNA position 3239, A replaced by G.
Protein change: p.Gln1080Arg; replaces glutamine 1080 with arginine.
Molecular consequence: missense variant.
Genome position (GRCh38, 1-based): chr1:39,310,969, A>G. VCF-style: chr1-39310969-A-G. GRCh37 (hg19) VCF-style: chr1-39776641-A-G.
Other names: c.3254A>G, p.Gln1085Arg (NM_012090.5); short protein forms Q1080R, Q1085R.
Identifiers: ClinVar variation 3234732 (VCV003234732.20), dbSNP rs2521745846, ClinGen allele CA339779781.